The following is an entry in ClinVar:

NM_000435.3(NOTCH3):c.1386A>G (p.Thr462=)

Gene: NOTCH3 (notch receptor 3; minus strand). Cytogenetic location: 19p13.12.
Variant type: single nucleotide variant.
Coding change: c.1386A>G on transcript NM_000435.3 (MANE Select); coding-DNA position 1386, A replaced by G.
Protein change: p.Thr462=; no amino-acid change (threonine 462 retained).
Molecular consequence: synonymous variant.
Genome position (GRCh38, 1-based): chr19:15,188,341, T>C on the plus strand (A>G on the coding strand, the complement: NOTCH3 is on the minus strand). VCF-style: chr19-15188341-T-C. GRCh37 (hg19) VCF-style: chr19-15299152-T-C.
Identifiers: ClinVar variation 5039941 (VCV005039941.1).

ClinVar aggregate classification (germline): Likely benign (1 of 4 stars; one submission).

Submission:

CeGaT Center for Human Genetics Tuebingen
Classification: Likely benign. Last evaluated: 2026-06-01. Review status: criteria provided, single submitter. Criteria: CeGaT Center For Human Genetics Tuebingen Variant Classification Criteria Version 2. Collection method: clinical testing. Allele origin: germline. Affected: yes. Observed: 1 variant allele.
Comment: NOTCH3: PM2:Supporting, BP4, BP7